The following is an entry in ClinVar:

NM_001368882.1(COL13A1):c.709C>T (p.Arg237Ter)

Gene: COL13A1 (collagen type XIII alpha 1 chain; plus strand). Cytogenetic location: 10q22.1.
Variant type: single nucleotide variant.
Coding change: c.709C>T on transcript NM_001368882.1 (MANE Select); coding-DNA position 709, C replaced by T.
Protein change: p.Arg237Ter; replaces arginine 237 with a stop codon.
Molecular consequence: nonsense. On other transcripts: intron variant (3).
Genome position (GRCh38, 1-based): chr10:69,898,721, C>T. VCF-style: chr10-69898721-C-T. GRCh37 (hg19) VCF-style: chr10-71658477-C-T.
Other names: c.714+1190C>T (NM_080802.4, NM_080801.4); c.627+1190C>T (NM_080805.4); c.739C>T, p.Arg247Ter (NM_001130103.2); c.709C>T, p.Arg237Ter (NM_001320951.2, NM_001368884.1); c.673C>T, p.Arg225Ter (NM_001368883.1, NM_001368885.1); c.109C>T, p.Arg37Ter (NM_001368886.1); c.619C>T, p.Arg207Ter (NM_001368895.1); c.568C>T, p.Arg190Ter (NM_001368896.1, NM_001368898.1, NM_080798.4); and 2 more; short protein forms R190*, R199*, R207*, R225*, R228*, R237*, R247*, R37*.
Identifiers: ClinVar variation 1324099 (VCV001324099.8), dbSNP rs769673346, ClinGen allele CA5534411.

ClinVar aggregate classification (germline): Pathogenic/Likely pathogenic. Review status: criteria provided, multiple submitters, no conflicts (2 of 4 stars). 2 submissions from 2 submitters: Pathogenic (1); Likely pathogenic (1). Last evaluated 2025-07-08.

Conditions:
Congenital myasthenic syndrome 19. Identifiers: Orphanet 590, MedGen C4225235, MONDO:0014745, OMIM 616720.

Allele frequency attached by ClinVar (database versions not stated): gnomAD 0.00001 and 0.00002; gnomAD exomes 0.00001; TOPMed 0.00001; ExAC 0.00002; 1000 Genomes Project 30x 0.00016.
gnomAD v4.1: 59 of 1,613,386 alleles (0.0037%); highest among the groups gnomAD compares: Middle Eastern, 0.016%; no homozygotes.

Submissions (2):

Labcorp Genetics (formerly Invitae), Labcorp
Classification: Pathogenic. Last evaluated: 2025-07-08. Review status: criteria provided, single submitter. Criteria: Invitae Variant Classification Sherloc (09022015). Collection method: clinical testing. Allele origin: germline.
Comment: This sequence change creates a premature translational stop signal (p.Arg247*) in the COL13A1 gene. It is expected to result in an absent or disrupted protein product. Loss-of-function variants in COL13A1 are known to be pathogenic (PMID: 26626625). The frequency data for this variant in the population databases is considered unreliable, as metrics indicate poor data quality at this position in the gnomAD database. This variant has not been reported in the literature in individuals affected with COL13A1-related conditions. ClinVar contains an entry for this variant (Variation ID: 1324099). Algorithms developed to predict the effect of sequence changes on RNA splicing suggest that this variant may disrupt the consensus splice site. For these reasons, this variant has been classified as Pathogenic.

Revvity Omics, Revvity
Classification: Likely pathogenic for Congenital myasthenic syndrome 19. Last evaluated: 2020-12-09. Review status: criteria provided, single submitter. Criteria: ACMG Guidelines, 2015. Collection method: clinical testing. Allele origin: germline.

Literature cited by the submitters: PubMed 26626625 (cited by Labcorp Genetics (formerly Invitae), Labcorp).